The following is an entry in ClinVar:

ClinVar aggregate classification (germline): Uncertain significance (1 of 4 stars; one submission).

Allele frequency attached by ClinVar (database versions not stated): gnomAD exomes below 0.00001.
gnomAD v4.1: 1 of 1,613,970 alleles (0.000062%); highest among the groups gnomAD compares: South Asian, 0.0011%; no homozygotes.

Submission:

Labcorp Genetics (formerly Invitae), Labcorp
Classification: Uncertain significance. Last evaluated: 2024-01-02. Review status: criteria provided, single submitter. Criteria: Invitae Variant Classification Sherloc (09022015). Collection method: clinical testing. Allele origin: germline.
Comment: This sequence change replaces alanine, which is neutral and non-polar, with threonine, which is neutral and polar, at codon 4 of the UFM1 protein (p.Ala4Thr). This variant is not present in population databases (gnomAD no frequency). This variant has not been reported in the literature in individuals affected with UFM1-related conditions. ClinVar contains an entry for this variant (Variation ID: 2090350). An algorithm developed to predict the effect of missense changes on protein structure and function (PolyPhen-2) suggests that this variant is likely to be disruptive. In summary, the available evidence is currently insufficient to determine the role of this variant in disease. Therefore, it has been classified as a Variant of Uncertain Significance.

NM_016617.4(UFM1):c.59+69G>A

Gene: UFM1 (ubiquitin fold modifier 1; plus strand). Cytogenetic location: 13q13.3.
Variant type: single nucleotide variant.
Coding change: c.59+69G>A on transcript NM_016617.4 (MANE Select); 69 bases into the intron after coding-DNA position 59, G replaced by A.
Molecular consequence: intron variant. On other transcripts: missense variant (1).
Genome position (GRCh38, 1-based): chr13:38,350,124, G>A. VCF-style: chr13-38350124-G-A. GRCh37 (hg19) VCF-style: chr13-38924261-G-A.
Other names: c.10G>A, p.Ala4Thr (NM_001286704.2); c.59+69G>A (NM_001286705.2, NM_001286703.2, NM_001286706.2); short protein forms A4T.
Identifiers: ClinVar variation 2090350 (VCV002090350.4), dbSNP rs2500480665, ClinGen allele CA387996837.